The following is an entry in ClinVar:

NM_001130144.3(LTBP3):c.3775C>G (p.Arg1259Gly)

Gene: LTBP3 (latent transforming growth factor beta binding protein 3; minus strand). Cytogenetic location: 11q13.1.
Variant type: single nucleotide variant.
Coding change: c.3775C>G on transcript NM_001130144.3 (MANE Select); coding-DNA position 3775, C replaced by G.
Protein change: p.Arg1259Gly; replaces arginine 1259 with glycine.
Molecular consequence: missense variant.
Genome position (GRCh38, 1-based): chr11:65,539,217, G>C on the plus strand (C>G on the coding strand, the complement: LTBP3 is on the minus strand). VCF-style: chr11-65539217-G-C. GRCh37 (hg19) VCF-style: chr11-65306688-G-C.
Other names: c.3283C>G, p.Arg1095Gly (NM_001164266.1); c.3634C>G, p.Arg1212Gly (NM_021070.4); short protein forms R1095G, R1212G, R1259G.
Identifiers: ClinVar variation 4738306 (VCV004738306.1).

ClinVar aggregate classification (germline): Uncertain significance (1 of 4 stars; one submission).

Conditions:
Brachyolmia-amelogenesis imperfecta syndrome. Also called: PLATYSPONDYLY WITH AMELOGENESIS IMPERFECTA; Tooth agenesis, selective, 6; Dental anomalies and short stature. Identifiers: Orphanet 2899, MedGen C1832594, MONDO:0011018, OMIM 601216. Disease mechanism: loss of function.

gnomAD v4.1: 1 of 1,526,636 alleles (0.000066%); highest among the groups gnomAD compares: Non-Finnish European, 0.000088%; no homozygotes.

Submission:

Labcorp Genetics (formerly Invitae), Labcorp
Classification: Uncertain significance for Brachyolmia-amelogenesis imperfecta syndrome. Last evaluated: 2025-04-26. Review status: criteria provided, single submitter. Criteria: Invitae Variant Classification Sherloc (09022015). Collection method: clinical testing. Allele origin: germline.
Comment: This sequence change replaces arginine, which is basic and polar, with glycine, which is neutral and non-polar, at codon 1259 of the LTBP3 protein (p.Arg1259Gly). This variant is not present in population databases (gnomAD no frequency). This variant has not been reported in the literature in individuals affected with LTBP3-related conditions. An algorithm developed to predict the effect of missense changes on protein structure and function (PolyPhen-2) suggests that this variant is likely to be disruptive. In summary, the available evidence is currently insufficient to determine the role of this variant in disease. Therefore, it has been classified as a Variant of Uncertain Significance.